The following is an entry in ClinVar:

ClinVar aggregate classification (germline): Likely benign (1 of 4 stars; one submission).

Conditions:
Tuberous sclerosis 1 (TSC1). Identifiers: Orphanet 805, MedGen C1854465, MONDO:0008612, OMIM 191100.

Submission:

Myriad Genetics, Inc.
Classification: Likely benign for Tuberous sclerosis 1. Last evaluated: 2025-04-25. Review status: criteria provided, single submitter. Criteria: Myriad Autosomal Dominant, Autosomal Recessive and X-Linked Classification Criteria (2023). Collection method: clinical testing. Allele origin: unknown.
Comment: This variant is considered likely benign. This variant has been observed at a population frequency that is significantly greater than expected given the associated disease prevalence and penetrance.

NM_000368.5(TSC1):c.2478G>T (p.Leu826=)

Gene: TSC1 (TSC complex subunit 1; minus strand). Cytogenetic location: 9q34.13.
Variant type: single nucleotide variant.
Coding change: c.2478G>T on transcript NM_000368.5 (MANE Select); coding-DNA position 2478, G replaced by T.
Protein change: p.Leu826=; no amino-acid change (leucine 826 retained).
Molecular consequence: synonymous variant. On other transcripts: non-coding transcript variant (5), intron variant (8).
Genome position (GRCh38, 1-based): chr9:132,901,613, C>A on the plus strand (G>T on the coding strand, the complement: TSC1 is on the minus strand). VCF-style: chr9-132901613-C-A. GRCh37 (hg19) VCF-style: chr9-135777000-C-A.
Other names: c.2460G>T, p.Leu820= (NM_001406603.1, NM_001406604.1); c.2325G>T, p.Leu775= (NM_001406610.1, NM_001162427.2); c.2322G>T, p.Leu774= (NM_001406611.1, NM_001406612.1); c.2115G>T, p.Leu705= (NM_001406614.1, NM_001406615.1, NM_001406616.1 and 4 more transcripts); c.2112G>T, p.Leu704= (NM_001406620.1, NM_001406621.1, NM_001406622.1 and 1 more transcripts); c.1527G>T, p.Leu509= (NM_001406626.1); c.1524G>T, p.Leu508= (NM_001406627.1, NM_001406628.1); c.1425G>T, p.Leu475= (NM_001406629.1, NM_001406630.1); and 8 more.
Identifiers: ClinVar variation 4071283 (VCV004071283.1).